The following is an entry in ClinVar:

NM_005732.4(RAD50):c.2172G>C (p.Lys724Asn)

Gene: RAD50 (RAD50 double strand break repair protein; plus strand). Cytogenetic location: 5q31.1.
Variant type: single nucleotide variant.
Coding change: c.2172G>C on transcript NM_005732.4 (MANE Select); coding-DNA position 2172, G replaced by C.
Protein change: p.Lys724Asn; replaces lysine 724 with asparagine.
Molecular consequence: missense variant.
Genome position (GRCh38, 1-based): chr5:132,595,775, G>C. VCF-style: chr5-132595775-G-C. GRCh37 (hg19) VCF-style: chr5-131931467-G-C.
Other names: short protein forms K724N.
Identifiers: ClinVar variation 3942190 (VCV003942190.1).
Genomic context (GRCh38, chr5:132,595,775, plus strand): 5'-ACTGCGACTTGCTCCAGATAAACTCAAGTCAACAGAATCAGAGCTAAAAAAAAAGGAAAA[G>C]CGGCGTGATGAAATGCTGGGACTTGTGCCCATGAGGTAAGAATGGGATTTACCTTCACTG-3'
Protein context (NP_005723.2, residues 714-734): STESELKKKE[Lys724Asn]RRDEMLGLVP

ClinVar aggregate classification (germline): Uncertain significance (1 of 4 stars; one submission).

Conditions:
Hereditary cancer-predisposing syndrome. Also called: Tumor predisposition; Hereditary neoplastic syndrome; Hereditary Cancer Syndrome; Neoplastic Syndromes, Hereditary. Identifiers: Orphanet 140162, MedGen C0027672, MeSH D009386, MONDO:0015356.

gnomAD v4.1: 1 of 1,612,764 alleles (0.000062%); highest among the groups gnomAD compares: South Asian, 0.0011%; no homozygotes.

Submission:

Ambry Genetics
Classification: Uncertain significance for Hereditary cancer-predisposing syndrome. Last evaluated: 2025-05-11. Review status: criteria provided, single submitter. Criteria: Ambry Variant Classification Scheme 2023. Collection method: clinical testing. Allele origin: germline.
Comment: The p.K724N variant (also known as c.2172G>C), located in coding exon 13 of the RAD50 gene, results from a G to C substitution at nucleotide position 2172. The lysine at codon 724 is replaced by asparagine, an amino acid with similar properties. This amino acid position is conserved. In addition, this alteration is predicted to be tolerated by in silico analysis. Based on the available evidence, the clinical significance of this variant remains unclear.